The following is an entry in ClinVar:

ClinVar aggregate classification (germline): Uncertain significance. Review status: criteria provided, single submitter (1 of 4 stars). 2 submissions from 2 submitters: Uncertain significance (1). 1 of the submissions does not count toward it. Last evaluated 2021-03-12.

Conditions:
DYRK1B-related disorder. Also called: DYRK1B-related condition.
Abdominal obesity-metabolic syndrome 3 (AOMS3). Also called: CENTRAL OBESITY, TYPE 2 DIABETES, HYPERTENSION, AND EARLY-ONSET CORONARY ARTERY DISEASE. Identifiers: MedGen C4014361, MONDO:0014352, OMIM 615812.

Submissions (2):

Revvity Omics, Revvity
Classification: Uncertain significance for Abdominal obesity-metabolic syndrome 3. Last evaluated: 2021-03-12. Review status: criteria provided, single submitter. Criteria: ACMG Guidelines, 2015. Collection method: clinical testing. Allele origin: germline.

PreventionGenetics, part of Exact Sciences
Classification: Uncertain significance for DYRK1B-related condition. Last evaluated: 2024-09-18. Review status: no assertion criteria provided. Collection method: clinical testing. Allele origin: germline. Not counted in ClinVar's aggregate classification.
Comment: The DYRK1B c.1729C>T variant is predicted to result in the amino acid substitution p.Pro577Ser. To our knowledge, this variant has not been reported in the literature or in a large population database, indicating this variant is rare. At this time, the clinical significance of this variant is uncertain due to the absence of conclusive functional and genetic evidence.

NM_004714.3(DYRK1B):c.1729C>T (p.Pro577Ser)

Gene: DYRK1B (dual specificity tyrosine phosphorylation regulated kinase 1B; minus strand). Cytogenetic location: 19q13.2.
Variant type: single nucleotide variant.
Coding change: c.1729C>T on transcript NM_004714.3 (MANE Select); coding-DNA position 1729, C replaced by T.
Protein change: p.Pro577Ser; replaces proline 577 with serine.
Molecular consequence: missense variant.
Genome position (GRCh38, 1-based): chr19:39,825,876, G>A on the plus strand (C>T on the coding strand, the complement: DYRK1B is on the minus strand). VCF-style: chr19-39825876-G-A. GRCh37 (hg19) VCF-style: chr19-40316516-G-A.
Other names: c.1729C>T (NM_004714.2); c.1609C>T, p.Pro537Ser (NM_006483.3); c.1645C>T, p.Pro549Ser (NM_006484.3); short protein forms P537S, P549S, P577S.
Identifiers: ClinVar variation 2441087 (VCV002441087.4), dbSNP rs2514821156, ClinGen allele CA405820828.